The following is an entry in ClinVar:

NM_176824.3(BBS7):c.1786+8A>T

Gene: BBS7 (Bardet-Biedl syndrome 7; minus strand). Cytogenetic location: 4q27.
Variant type: single nucleotide variant.
Coding change: c.1786+8A>T on transcript NM_176824.3 (MANE Select); 8 bases into the intron after coding-DNA position 1786, A replaced by T.
Molecular consequence: intron variant.
Genome position (GRCh38, 1-based): chr4:121,828,611, T>A on the plus strand (A>T on the coding strand, the complement: BBS7 is on the minus strand). VCF-style: chr4-121828611-T-A. GRCh37 (hg19) VCF-style: chr4-122749766-T-A.
Other names: c.1786+8A>T (NM_018190.4, NM_176824.2).
Identifiers: ClinVar variation 2172574 (VCV002172574.5), dbSNP rs2476803264, ClinGen allele CA2580071480.

ClinVar aggregate classification (germline): Likely benign. Review status: criteria provided, multiple submitters, no conflicts (2 of 4 stars). 2 submissions from 2 submitters: Likely benign (2). Last evaluated 2026-03-03.

Conditions:
BBS7-related disorder. Also called: BBS7-related condition.
Bardet-Biedl syndrome (BBS). Identifiers: Orphanet 110, MedGen C0752166, MONDO:0015229.

Allele frequency attached by ClinVar (database versions not stated): gnomAD exomes below 0.00001.
gnomAD v4.1: 1 of 1,571,392 alleles (0.000064%); highest among the groups gnomAD compares: African/African-American, 0.0013%; no homozygotes.

Submissions (2):

PreventionGenetics, part of Exact Sciences
Classification: Likely benign for BBS7-related condition. Last evaluated: 2026-03-03. Review status: criteria provided, single submitter. Criteria: ACMG Guidelines, 2015. Collection method: clinical testing. Allele origin: germline.
Comment: This variant is classified as likely benign based on ACMG/AMP sequence variant interpretation guidelines (Richards et al. 2015 PMID: 25741868, with internal and published modifications).

Labcorp Genetics (formerly Invitae), Labcorp
Classification: Likely benign for Bardet-Biedl syndrome. Last evaluated: 2022-10-12. Review status: criteria provided, single submitter. Criteria: Invitae Variant Classification Sherloc (09022015). Collection method: clinical testing. Allele origin: germline.